The following is an entry in ClinVar:

NM_001368067.1(LDB3):c.770C>T (p.Thr257Met)

Gene: LDB3 (LIM domain binding 3; plus strand). Cytogenetic location: 10q23.2.
Variant type: single nucleotide variant.
Coding change: c.770C>T on transcript NM_001368067.1 (MANE Plus Clinical); coding-DNA position 770, C replaced by T.
Protein change: p.Thr257Met; replaces threonine 257 with methionine.
Molecular consequence: missense variant. On other transcripts: intron variant (6).
Genome position (GRCh38, 1-based): chr10:86,699,292, C>T. VCF-style: chr10-86699292-C-T. GRCh37 (hg19) VCF-style: chr10-88459049-C-T.
Other names: c.911C>T, p.Thr304Met (NM_001080115.2, NM_001368063.1); c.770C>T, p.Thr257Met (NM_001080116.1, NM_001368068.1); c.1115C>T, p.Thr372Met (NM_001171611.2); c.896+6721C>T (NM_001368064.1, NM_007078.3, NM_001368065.1); c.1100+6721C>T (NM_001171610.2); c.755+6721C>T (NM_001368066.1, NM_001080114.2); c.911C>T (NM_001080115.1); short protein forms T257M, T304M, T372M.
Identifiers: ClinVar variation 406809 (VCV000406809.33), dbSNP rs375798002, ClinGen allele CA5584971.

ClinVar aggregate classification (germline): Conflicting classifications of pathogenicity. Review status: criteria provided, conflicting classifications (1 of 4 stars). 3 submissions from 3 submitters: Uncertain significance (2); Likely benign (1). Last evaluated 2026-01-21.

Conditions:
LDB3-related disorder. Also called: LDB3-related condition.
Myofibrillar myopathy 4. Also called: Zaspopathy (type). Identifiers: Orphanet 98912, MedGen C4721886, MONDO:0012277, OMIM 609452.

Allele frequency attached by ClinVar (database versions not stated): gnomAD 0.00003 and 0.00004; gnomAD exomes 0.00003 and 0.00004; ExAC 0.00004; TOPMed 0.00006; ESP Exome Variant Server 0.00008.
gnomAD v4.1: 67 of 1,613,282 alleles (0.0042%); highest among the groups gnomAD compares: Middle Eastern, 0.049%; no homozygotes.

Submissions (3):

Labcorp Genetics (formerly Invitae), Labcorp
Classification: Uncertain significance for Myofibrillar myopathy 4. Last evaluated: 2026-01-21. Review status: criteria provided, single submitter. Criteria: Invitae Variant Classification Sherloc (09022015). Collection method: clinical testing. Allele origin: germline.
Comment: This sequence change replaces threonine, which is neutral and polar, with methionine, which is neutral and non-polar, at codon 257 of the LDB3 protein (p.Thr257Met). This variant is present in population databases (rs375798002, gnomAD 0.005%). This missense change has been observed in individual(s) with clinical features of LDB3-related conditions (PMID: 35352813, 38158391). This variant is also known as c.911C>T (p.Thr304Met). ClinVar contains an entry for this variant (Variation ID: 406809). An algorithm developed to predict the effect of missense changes on protein structure and function (PolyPhen-2) suggests that this variant is likely to be disruptive. In summary, the available evidence is currently insufficient to determine the role of this variant in disease. Therefore, it has been classified as a Variant of Uncertain Significance.

PreventionGenetics, part of Exact Sciences
Classification: Uncertain significance for LDB3-related condition. Last evaluated: 2025-02-07. Review status: criteria provided, single submitter. Criteria: ACMG Guidelines, 2015. Collection method: clinical testing. Allele origin: germline.
Comment: The LDB3 c.911C>T variant is predicted to result in the amino acid substitution p.Thr304Met. This variant is referred to as c.770C>T (p.Thr257Met) with an alternate transcript NM_001368067.1 in public databases. This variant has been reported in an individual with unexplained cardiac arrest (Table S5, Grondin et al. 2022. PubMed ID: 35352813). This variant has also been documented in the compound heterozygous state in an individual with dysmorphic features, short stature, absent olfactory bulbs, hypotonia, severe asthma, and poor growth (Table S2, Hills et al. 2024. PubMed ID: 38158391). This variant is reported in 0.0045% of alleles in individuals of European (Non-Finnish) descent in gnomAD. At this time, the clinical significance of this variant is uncertain due to the absence of conclusive functional and genetic evidence.

CeGaT Center for Human Genetics Tuebingen
Classification: Likely benign. Last evaluated: 2024-10-01. Review status: criteria provided, single submitter. Criteria: CeGaT Center For Human Genetics Tuebingen Variant Classification Criteria Version 2. Collection method: clinical testing. Allele origin: germline. Affected: yes. Observed: 2 variant alleles.
Comment: LDB3: BS2

Literature cited by the submitters: PubMed 35352813 (cited by Labcorp Genetics (formerly Invitae), Labcorp); PubMed 38158391 (cited by Labcorp Genetics (formerly Invitae), Labcorp).